The following is an entry in ClinVar:

NM_014975.3(MAST1):c.2467C>A (p.Pro823Thr)

Genes: MAST1 (microtubule associated serine/threonine kinase 1; plus strand), LOC112543452 (Sharpr-MPRA regulatory region 6054; plus strand). Cytogenetic location: 19p13.13.
Variant type: single nucleotide variant.
Coding change: c.2467C>A on transcript NM_014975.3 (MANE Select); coding-DNA position 2467, C replaced by A.
Protein change: p.Pro823Thr; replaces proline 823 with threonine.
Molecular consequence: missense variant.
Genome position (GRCh38, 1-based): chr19:12,867,878, C>A. VCF-style: chr19-12867878-C-A. GRCh37 (hg19) VCF-style: chr19-12978692-C-A.
Other names: short protein forms P823T.
Identifiers: ClinVar variation 2148868 (VCV002148868.4), dbSNP rs373621251, ClinGen allele CA404279700.
Genomic context (GRCh38, chr19:12,867,878, plus strand): 5'-GAGCCCAGCCGCTTCAGCGCCCCCCAAGAGGACGAGGATGAGGCCCGGCTGCGCAGGCCT[C>A]CCCGGCCCAGCTCCGACCCCGCGGGATCCCTGGATGCACGGGCCCCCAAAGAGGAGACTC-3'
Protein context (NP_055790.1, residues 813-833): DEDEARLRRP[Pro823Thr]RPSSDPAGSL

ClinVar aggregate classification (germline): Uncertain significance (1 of 4 stars; one submission).

Submission:

Labcorp Genetics (formerly Invitae), Labcorp
Classification: Uncertain significance. Last evaluated: 2022-11-22. Review status: criteria provided, single submitter. Criteria: Invitae Variant Classification Sherloc (09022015). Collection method: clinical testing. Allele origin: germline.
Comment: This sequence change replaces proline, which is neutral and non-polar, with threonine, which is neutral and polar, at codon 823 of the MAST1 protein (p.Pro823Thr). The frequency data for this variant in the population databases is considered unreliable, as metrics indicate poor data quality at this position in the gnomAD database. This variant has not been reported in the literature in individuals affected with MAST1-related conditions. Algorithms developed to predict the effect of missense changes on protein structure and function (SIFT, PolyPhen-2, Align-GVGD) all suggest that this variant is likely to be tolerated. In summary, the available evidence is currently insufficient to determine the role of this variant in disease. Therefore, it has been classified as a Variant of Uncertain Significance.